The following is an entry in ClinVar:

ClinVar aggregate classification (germline): Uncertain significance. Review status: criteria provided, multiple submitters, no conflicts (2 of 4 stars). 2 submissions from 2 submitters: Uncertain significance (2). Last evaluated 2023-05-26.

Conditions:
Joubert syndrome. Also called: CEREBELLOPARENCHYMAL DISORDER IV; JOUBERT-BOLTSHAUSER SYNDROME; Familial aplasia of the vermis. Identifiers: Orphanet 475, MedGen C5979921, MONDO:0018772.
Meckel-Gruber syndrome. Also called: DYSENCEPHALIA SPLANCHNOCYSTICA; GRUBER SYNDROME; Dysencephalia splachnocystica. Identifiers: Orphanet 564, MedGen C0265215, MONDO:0018921.
Inborn genetic diseases. Identifiers: MedGen C0950123, MeSH D030342.

Allele frequency attached by ClinVar (database versions not stated): gnomAD exomes below 0.00001; TOPMed below 0.00001; ExAC 0.00001; gnomAD 0.00001.
gnomAD v4.1: 11 of 1,614,104 alleles (0.00068%); highest among the groups gnomAD compares: Middle Eastern, 0.016%; no homozygotes.

Submissions (2):

Ambry Genetics
Classification: Uncertain significance for Inborn genetic diseases. Last evaluated: 2023-05-26. Review status: criteria provided, single submitter. Criteria: Ambry Variant Classification Scheme 2023. Collection method: clinical testing. Allele origin: germline.

Labcorp Genetics (formerly Invitae), Labcorp
Classification: Uncertain significance for Joubert syndrome; Meckel-Gruber syndrome. Last evaluated: 2022-07-06. Review status: criteria provided, single submitter. Criteria: Invitae Variant Classification Sherloc (09022015). Collection method: clinical testing. Allele origin: germline.
Comment: ClinVar contains an entry for this variant (Variation ID: 1441167). In summary, the available evidence is currently insufficient to determine the role of this variant in disease. Therefore, it has been classified as a Variant of Uncertain Significance. Algorithms developed to predict the effect of missense changes on protein structure and function (SIFT, PolyPhen-2, Align-GVGD) all suggest that this variant is likely to be tolerated. This variant has not been reported in the literature in individuals affected with TCTN1-related conditions. This variant is present in population databases (rs768050958, gnomAD 0.006%). This sequence change replaces valine, which is neutral and non-polar, with methionine, which is neutral and non-polar, at codon 384 of the TCTN1 protein (p.Val384Met).

NM_001082538.3(TCTN1):c.1150G>A (p.Val384Met)

Gene: TCTN1 (tectonic family member 1; plus strand). Cytogenetic location: 12q24.11.
Variant type: single nucleotide variant.
Coding change: c.1150G>A on transcript NM_001082538.3 (MANE Select); coding-DNA position 1150, G replaced by A.
Protein change: p.Val384Met; replaces valine 384 with methionine.
Molecular consequence: missense variant.
Genome position (GRCh38, 1-based): chr12:110,641,587, G>A. VCF-style: chr12-110641587-G-A. GRCh37 (hg19) VCF-style: chr12-111079392-G-A.
Other names: c.1150G>A, p.Val384Met (NM_001082537.3, NM_001319680.2); c.982G>A, p.Val328Met (NM_001173975.3); c.970G>A, p.Val324Met (NM_001173976.2); c.616G>A, p.Val206Met (NM_001319681.2); c.1108G>A, p.Val370Met (NM_024549.6); c.1150G>A (NM_001082538.2); short protein forms V324M, V328M, V370M, V384M, V206M.
Identifiers: ClinVar variation 1441167 (VCV001441167.10), dbSNP rs768050958, ClinGen allele CA6786825.